The following is an entry in ClinVar:

NM_025179.4(PLXNA2):c.4186G>A (p.Gly1396Ser)

Gene: PLXNA2 (plexin A2; minus strand). Cytogenetic location: 1q32.2.
Variant type: single nucleotide variant.
Coding change: c.4186G>A on transcript NM_025179.4 (MANE Select); coding-DNA position 4186, G replaced by A.
Protein change: p.Gly1396Ser; replaces glycine 1396 with serine.
Molecular consequence: missense variant.
Genome position (GRCh38, 1-based): chr1:208,042,198, C>T on the plus strand (G>A on the coding strand, the complement: PLXNA2 is on the minus strand). VCF-style: chr1-208042198-C-T. GRCh37 (hg19) VCF-style: chr1-208215543-C-T.
Other names: short protein forms G1396S.
Identifiers: ClinVar variation 5000877 (VCV005000877.1).

ClinVar aggregate classification (germline): Uncertain significance (1 of 4 stars; one submission).

Conditions:
PLXNA2-related disorder. Also called: PLXNA2-related condition.

gnomAD v4.1: 1 of 1,614,202 alleles (0.000062%); highest among the groups gnomAD compares: Non-Finnish European, 0.000085%; no homozygotes.

Submission:

PreventionGenetics, part of Exact Sciences
Classification: Uncertain significance for PLXNA2-related condition. Last evaluated: 2025-07-16. Review status: criteria provided, single submitter. Criteria: ACMG Guidelines, 2015. Collection method: clinical testing. Allele origin: germline.
Comment: The PLXNA2 c.4186G>A variant is predicted to result in the amino acid substitution p.Gly1396Ser. To our knowledge, this variant has not been reported in the literature or in a large population database (gnomAD), indicating this variant is rare. At this time, the clinical significance of this variant is uncertain due to the absence of conclusive functional and genetic evidence.